The following is an entry in ClinVar:

NM_000152.5(GAA):c.1221del (p.Asp406_Tyr407insTer)

Gene: GAA (alpha glucosidase; plus strand). Cytogenetic location: 17q25.3.
Variant type: Deletion.
Coding change: c.1221del on transcript NM_000152.5 (MANE Select); coding-DNA position 1221, one base deleted (C; older notation c.1221delC).
Protein change: p.Asp406_Tyr407insTer.
Molecular consequence: nonsense.
Genome position (GRCh38, 1-based): chr17:80,108,723, C deleted. VCF-style (leftmost placement, unchanged base first): chr17-80108722-AC-A. GRCh37 (hg19) VCF-style: chr17-78082521-AC-A.
Other names: c.1221del, p.Asp406_Tyr407insTer (NM_001079803.3, NM_001079804.3, NM_001406741.1 and 1 more transcripts).
Identifiers: ClinVar variation 4876330 (VCV004876330.1).

ClinVar aggregate classification (germline): Likely pathogenic (1 of 4 stars; one submission).

Conditions:
Glycogen storage disease, type II (IOPD). Also called: Pompe Disease; CARDIOMEGALIA GLYCOGENICA DIFFUSA; GLYCOGENOSIS, GENERALIZED, CARDIAC FORM; GSD II; POMPE DISEASE, INFANTILE-ONSET; GLYCOGEN STORAGE DISEASE II, INFANTILE-ONSET. Identifiers: Orphanet 365, MedGen C0017921, MONDO:0009290, OMIM 232300.

Submission:

Genomenon, Inc
Classification: Likely pathogenic for Glycogen storage disease, type II. Last evaluated: 2026-07-01. Review status: criteria provided, single submitter. Criteria: Genomenon Sequence Variant Interpretation Standards - Updated. Collection method: curation. Allele origin: germline. Affected: no.
Comment: GAA p.Tyr407Ter (c.1221del) is a deletion variant that introduces a premature stop codon at amino acid position 407 and is predicted to result in a truncated or absent protein product. This variant has been reported in the published literature (PMID:33560568). It is absent or not present at a significant frequency in gnomAD. In conclusion, we classify GAA p.Tyr407Ter (c.1221del) as a likely pathogenic variant.

Literature cited by the submitters: PubMed 33560568.